The following is an entry in ClinVar:

ClinVar aggregate classification (germline): Uncertain significance. Review status: criteria provided, multiple submitters, no conflicts (2 of 4 stars). 2 submissions from 2 submitters: Uncertain significance (2). Last evaluated 2024-02-04.

Conditions:
Inborn genetic diseases. Identifiers: MedGen C0950123, MeSH D030342.

Allele frequency attached by ClinVar (database versions not stated): gnomAD exomes 0.00001; gnomAD 0.00002; TOPMed 0.00002; ExAC 0.00075.
gnomAD v4.1: 8 of 1,003,521 alleles (0.0008%); highest among the groups gnomAD compares: East Asian, 0.025%; no homozygotes.

Submissions (2):

Labcorp Genetics (formerly Invitae), Labcorp
Classification: Uncertain significance. Last evaluated: 2024-02-04. Review status: criteria provided, single submitter. Criteria: Invitae Variant Classification Sherloc (09022015). Collection method: clinical testing. Allele origin: germline.
Comment: This sequence change replaces arginine, which is basic and polar, with leucine, which is neutral and non-polar, at codon 69 of the GPR143 protein (p.Arg69Leu). The frequency data for this variant in the population databases is considered unreliable, as metrics indicate poor data quality at this position in the gnomAD database. This variant has not been reported in the literature in individuals affected with GPR143-related conditions. Advanced modeling of protein sequence and biophysical properties (such as structural, functional, and spatial information, amino acid conservation, physicochemical variation, residue mobility, and thermodynamic stability) performed at Invitae indicates that this missense variant is expected to disrupt GPR143 protein function with a positive predictive value of 80%. In summary, the available evidence is currently insufficient to determine the role of this variant in disease. Therefore, it has been classified as a Variant of Uncertain Significance.

Ambry Genetics
Classification: Uncertain significance for Inborn genetic diseases. Last evaluated: 2023-09-23. Review status: criteria provided, single submitter. Criteria: Ambry Variant Classification Scheme 2023. Collection method: clinical testing. Allele origin: germline.

NM_000273.3(GPR143):c.206G>T (p.Arg69Leu)

Gene: GPR143 (G protein-coupled receptor 143; minus strand). Cytogenetic location: Xp22.2.
Variant type: single nucleotide variant.
Coding change: c.206G>T on transcript NM_000273.3 (MANE Select); coding-DNA position 206, G replaced by T.
Protein change: p.Arg69Leu; replaces arginine 69 with leucine.
Molecular consequence: missense variant.
Genome position (GRCh38, 1-based): chrX:9,765,612, C>A on the plus strand (G>T on the coding strand, the complement: GPR143 is on the minus strand). VCF-style: chrX-9765612-C-A. GRCh37 (hg19) VCF-style: chrX-9733652-C-A.
Other names: short protein forms R69L.
Identifiers: ClinVar variation 3101447 (VCV003101447.3), dbSNP rs773515821, ClinGen allele CA10345088.